The following is an entry in ClinVar:

ClinVar aggregate classification (germline): Conflicting classifications of pathogenicity. Review status: criteria provided, conflicting classifications (1 of 4 stars). 9 submissions from 9 submitters: Uncertain significance (2); Likely benign (6). 1 of the submissions does not count toward it. Last evaluated 2026-01-19.

Conditions:
MYLK-related disorder. Also called: MYLK-related condition.
Familial thoracic aortic aneurysm and aortic dissection (TAAD). Also called: Thoracic aortic aneurysms and dissections. Identifiers: Orphanet 91387, MedGen C4707243, MONDO:0019625.
Aortic aneurysm, familial thoracic 7 (AAT7). Also called: AORTIC DISSECTION, FAMILIAL, WITH OR WITHOUT AORTIC ANEURYSM. Identifiers: MedGen C3151077, MONDO:0013418, OMIM 613780.

Allele frequency attached by ClinVar (database versions not stated): gnomAD 0.00011 and 0.00012; gnomAD exomes 0.00011 and 0.00021; ExAC 0.00013; TOPMed 0.00014; ESP Exome Variant Server 0.00015.
gnomAD v4.1: 324 of 1,613,712 alleles (0.02%); highest among the groups gnomAD compares: Non-Finnish European, 0.026%; no homozygotes.

Submissions (9):

Labcorp Genetics (formerly Invitae), Labcorp
Classification: Likely benign for Aortic aneurysm, familial thoracic 7. Last evaluated: 2026-01-19. Review status: criteria provided, single submitter. Criteria: Invitae Variant Classification Sherloc (09022015). Collection method: clinical testing. Allele origin: germline.

CeGaT Center for Human Genetics Tuebingen
Classification: Uncertain significance. Last evaluated: 2025-10-01. Review status: criteria provided, single submitter. Criteria: CeGaT Center For Human Genetics Tuebingen Variant Classification Criteria Version 2. Collection method: clinical testing. Allele origin: germline. Affected: yes. Observed: 1 variant allele.
Comment: MYLK: PM2:Supporting, BP4

Molecular Diagnostic Laboratory for Inherited Cardiovascular Disease, Montreal Heart Institute
Classification: Likely benign. Last evaluated: 2025-04-09. Review status: criteria provided, single submitter. Criteria: ACMG Guidelines, 2015. Collection method: clinical testing. Allele origin: germline. Affected: no.

Mayo Clinic Laboratories, Mayo Clinic
Classification: Likely benign. Last evaluated: 2025-04-01. Review status: criteria provided, single submitter. Criteria: ACMG Guidelines, 2015. Collection method: clinical testing. Allele origin: germline. Observed: 1 variant allele.
Comment: BP4, BP7

Blueprint Genetics
Classification: Likely benign. Last evaluated: 2024-03-07. Review status: criteria provided, single submitter. Criteria: ACMG Guidelines, 2015. Collection method: clinical testing. Allele origin: germline.

GeneDx
Classification: Likely benign. Last evaluated: 2020-04-06. Review status: criteria provided, single submitter. Criteria: GeneDx Variant Classification Process June 2021. Collection method: clinical testing. Allele origin: germline. Affected: yes.

Ambry Genetics
Classification: Likely benign for Familial thoracic aortic aneurysm and aortic dissection. Last evaluated: 2019-06-04. Review status: criteria provided, single submitter. Criteria: Ambry Variant Classification Scheme 2023. Collection method: clinical testing. Allele origin: germline.

CHEO Genetics Diagnostic Laboratory, Children's Hospital of Eastern Ontario
Classification: Uncertain significance for Familial thoracic aortic aneurysm and aortic dissection. Last evaluated: 2016-06-23. Review status: criteria provided, single submitter. Criteria: ACMG Guidelines, 2015. Collection method: clinical testing. Allele origin: germline. Study: Canadian Open Genetics Repository.

PreventionGenetics, part of Exact Sciences
Classification: Likely benign for MYLK-related condition. Last evaluated: 2019-04-29. Review status: no assertion criteria provided. Collection method: clinical testing. Allele origin: germline. Not counted in ClinVar's aggregate classification.
Comment: This variant is classified as likely benign based on ACMG/AMP sequence variant interpretation guidelines (Richards et al. 2015 PMID: 25741868, with internal and published modifications).

NM_053025.4(MYLK):c.4620-4G>A

Gene: MYLK (myosin light chain kinase; minus strand). Cytogenetic location: 3q21.1.
Variant type: single nucleotide variant.
Coding change: c.4620-4G>A on transcript NM_053025.4 (MANE Select); 4 bases into the intron before coding-DNA position 4620, G replaced by A.
Molecular consequence: intron variant.
Genome position (GRCh38, 1-based): chr3:123,640,508, C>T on the plus strand (G>A on the coding strand, the complement: MYLK is on the minus strand). VCF-style: chr3-123640508-C-T. GRCh37 (hg19) VCF-style: chr3-123359355-C-T.
Other names: p.?; c.4092-4G>A (NM_001321309.2); c.4413-4G>A (NM_053028.4, NM_053026.4); c.4620-4G>A (NM_053027.4).
Identifiers: ClinVar variation 264335 (VCV000264335.32), dbSNP rs371533014, ClinGen allele CA071928.